The following is an entry in ClinVar:

NM_007227.3(GPR45):c.79A>C (p.Thr27Pro)

Gene: GPR45 (G protein-coupled receptor 45; plus strand). Cytogenetic location: 2q12.1.
Variant type: single nucleotide variant.
Coding change: c.79A>C on transcript NM_007227.3 (MANE Select); coding-DNA position 79, A replaced by C.
Protein change: p.Thr27Pro; replaces threonine 27 with proline.
Molecular consequence: missense variant.
Genome position (GRCh38, 1-based): chr2:105,241,937, A>C. VCF-style: chr2-105241937-A-C. GRCh37 (hg19) VCF-style: chr2-105858394-A-C.
Other names: short protein forms T27P.
Identifiers: ClinVar variation 3680472 (VCV003680472.2).

ClinVar aggregate classification (germline): Uncertain significance (1 of 4 stars; one submission).

Submission:

Labcorp Genetics (formerly Invitae), Labcorp
Classification: Uncertain significance. Last evaluated: 2024-10-07. Review status: criteria provided, single submitter. Criteria: Invitae Variant Classification Sherloc (09022015). Collection method: clinical testing. Allele origin: germline.
Comment: This sequence change replaces threonine, which is neutral and polar, with proline, which is neutral and non-polar, at codon 27 of the GPR45 protein (p.Thr27Pro). This variant is not present in population databases (gnomAD no frequency). This variant has not been reported in the literature in individuals affected with GPR45-related conditions. An algorithm developed to predict the effect of missense changes on protein structure and function outputs the following: PolyPhen-2: "Benign". The proline amino acid residue is found in multiple mammalian species, which suggests that this missense change does not adversely affect protein function. In summary, the available evidence is currently insufficient to determine the role of this variant in disease. Therefore, it has been classified as a Variant of Uncertain Significance.